The following is an entry in ClinVar:

ClinVar aggregate classification (germline): Uncertain significance (1 of 4 stars; one submission).

Allele frequency attached by ClinVar (database versions not stated): gnomAD exomes 0.00001.
gnomAD v4.1: 9 of 1,613,736 alleles (0.00056%); highest among the groups gnomAD compares: Non-Finnish European, 0.00076%; no homozygotes.

Submission:

Ambry Genetics
Classification: Uncertain significance. Last evaluated: 2022-02-24. Review status: criteria provided, single submitter. Criteria: Ambry Variant Classification Scheme 2023. Collection method: clinical testing. Allele origin: germline.
Comment: The p.I914L variant (also known as c.2740A>C), located in coding exon 22 of the BUB1 gene, results from an A to C substitution at nucleotide position 2740. The isoleucine at codon 914 is replaced by leucine, an amino acid with highly similar properties. This amino acid position is conserved. In addition, this alteration is predicted to be tolerated by in silico analysis. Since supporting evidence is limited at this time, the clinical significance of this alteration remains unclear.

NM_004336.5(BUB1):c.2740A>C (p.Ile914Leu)

Gene: BUB1 (BUB1 mitotic checkpoint serine/threonine kinase; minus strand). Cytogenetic location: 2q13.
Variant type: single nucleotide variant.
Coding change: c.2740A>C on transcript NM_004336.5 (MANE Select); coding-DNA position 2740, A replaced by C.
Protein change: p.Ile914Leu; replaces isoleucine 914 with leucine.
Molecular consequence: missense variant. On other transcripts: intron variant (1).
Genome position (GRCh38, 1-based): chr2:110,641,350, T>G on the plus strand (A>C on the coding strand, the complement: BUB1 is on the minus strand). VCF-style: chr2-110641350-T-G. GRCh37 (hg19) VCF-style: chr2-111398927-T-G.
Other names: c.2680A>C, p.Ile894Leu (NM_001278616.2); c.2626-158A>C (NM_001278617.2); short protein forms I914L, I894L.
Identifiers: ClinVar variation 1795433 (VCV001795433.2), dbSNP rs1174356078, ClinGen allele CA348089538.
Genomic context (GRCh38, chr2:110,641,350, plus strand): 5'-AAAAGCATAACACTTGCCCGTTTCCAAGTATGAAATTGTCTGGTTTAATGTCTCCATGAA[T>G]GATTTCACAGTCATGCACTTGCTCAATCATGTAAAGCATTCTCATAGCAAAAGAGATGAC-3'
Protein context (NP_004327.1, residues 904-924): MIEQVHDCEI[Ile914Leu]HGDIKPDNFI